The following is an entry in ClinVar:

ClinVar aggregate classification (germline): Conflicting classifications of pathogenicity. Review status: criteria provided, conflicting classifications (1 of 4 stars). 3 submissions from 3 submitters: Uncertain significance (2); Likely benign (1). Last evaluated 2024-08-09.

Conditions:
Hereditary breast ovarian cancer syndrome. Also called: Hereditary breast and ovarian cancer syndrome (HBOC); BRCA1- and BRCA2-Associated Hereditary Breast and Ovarian Cancer; Hereditary breast and ovarian cancer syndrome; Breast and ovarian cancer; Hereditary breast and ovarian cancer; Hereditary breast and/or ovarian cancer syndrome. Identifiers: Orphanet 145, MedGen C0677776, MeSH D061325, MONDO:0003582. Disease mechanism: loss of function.
Hereditary cancer-predisposing syndrome. Also called: Hereditary neoplastic syndrome; Neoplastic Syndromes, Hereditary; Tumor predisposition; Hereditary Cancer Syndrome. Identifiers: Orphanet 140162, MedGen C0027672, MeSH D009386, MONDO:0015356.

Allele frequency attached by ClinVar (database versions not stated): gnomAD exomes below 0.00001.
gnomAD v4.1: 1 of 1,591,958 alleles (0.000063%); highest among the groups gnomAD compares: Non-Finnish European, 0.000086%; no homozygotes.

Submissions (3):

Labcorp Genetics (formerly Invitae), Labcorp
Classification: Uncertain significance for Hereditary breast ovarian cancer syndrome. Last evaluated: 2024-08-09. Review status: criteria provided, single submitter. Criteria: Invitae Variant Classification Sherloc (09022015). Collection method: clinical testing. Allele origin: germline.
Comment: This sequence change replaces isoleucine, which is neutral and non-polar, with threonine, which is neutral and polar, at codon 1446 of the BRCA2 protein (p.Ile1446Thr). This variant is not present in population databases (gnomAD no frequency). This missense change has been observed in individual(s) with breast cancer (PMID: 22729890). ClinVar contains an entry for this variant (Variation ID: 531384). Advanced modeling of protein sequence and biophysical properties (such as structural, functional, and spatial information, amino acid conservation, physicochemical variation, residue mobility, and thermodynamic stability) performed at Invitae indicates that this missense variant is not expected to disrupt BRCA2 protein function with a negative predictive value of 95%. Experimental studies have shown that this missense change does not substantially affect BRCA2 function (PMID: 22729890). In summary, the available evidence is currently insufficient to determine the role of this variant in disease. Therefore, it has been classified as a Variant of Uncertain Significance.

University of Washington Department of Laboratory Medicine, University of Washington
Classification: Likely benign for Hereditary cancer-predisposing syndrome. Last evaluated: 2023-03-23. Review status: criteria provided, single submitter. Criteria: Dines et al. (Genet Med. 2020). Collection method: curation. Allele origin: germline.
Comment: Missense variant in a coldspot region where missense variants are very unlikely to be pathogenic (PMID:31911673).

BRCA2 exon 11 coldspot. Reclassification based on statistical prior probability.

Quest Diagnostics Nichols Institute San Juan Capistrano
Classification: Uncertain significance. Last evaluated: 2018-06-18. Review status: criteria provided, single submitter. Criteria: Quest Diagnostics criteria. Collection method: clinical testing. Allele origin: germline.

Literature cited by the submitters: PubMed 22729890 (cited by Labcorp Genetics (formerly Invitae), Labcorp).

NM_000059.4(BRCA2):c.4337T>C (p.Ile1446Thr)

Gene: BRCA2 (BRCA2 DNA repair associated; plus strand). Cytogenetic location: 13q13.1.
Variant type: single nucleotide variant.
Coding change: c.4337T>C on transcript NM_000059.4 (MANE Select); coding-DNA position 4337, T replaced by C.
Protein change: p.Ile1446Thr; replaces isoleucine 1446 with threonine.
Molecular consequence: missense variant.
Genome position (GRCh38, 1-based): chr13:32,338,692, T>C. VCF-style: chr13-32338692-T-C. GRCh37 (hg19) VCF-style: chr13-32912829-T-C.
Other names: short protein forms I1446T.
Identifiers: ClinVar variation 531384 (VCV000531384.11), dbSNP rs1555283730, ClinGen allele CA387780878.
Genomic context (GRCh38, chr13:32,338,692, plus strand): 5'-CATTTTTTCAGACTGCAAGTGGGAAAAATATTAGTGTCGCCAAAGAGTCATTTAATAAAA[T>C]TGTAAATTTCTTTGATCAGAAACCAGAAGAATTGCATAACTTTTCCTTAAATTCTGAATT-3'
Protein context (NP_000050.3, residues 1436-1456): ISVAKESFNK[Ile1446Thr]VNFFDQKPEE